The following is an entry in ClinVar:

NM_004304.5(ALK):c.335C>A (p.Ala112Asp)

Gene: ALK (ALK receptor tyrosine kinase; minus strand). Cytogenetic location: 2p23.1.
Variant type: single nucleotide variant.
Coding change: c.335C>A on transcript NM_004304.5 (MANE Select); coding-DNA position 335, C replaced by A.
Protein change: p.Ala112Asp; replaces alanine 112 with aspartic acid.
Molecular consequence: missense variant.
Genome position (GRCh38, 1-based): chr2:29,920,325, G>T on the plus strand (C>A on the coding strand, the complement: ALK is on the minus strand). VCF-style: chr2-29920325-G-T. GRCh37 (hg19) VCF-style: chr2-30143191-G-T.
Other names: short protein forms A112D.
Identifiers: ClinVar variation 3648777 (VCV003648777.2).

ClinVar aggregate classification (germline): Uncertain significance (1 of 4 stars; one submission).

Conditions:
Neuroblastoma, susceptibility to, 3. Also called: ALK-Related Neuroblastic Tumor Susceptibility. Identifiers: Orphanet 635, MedGen C2751681, MONDO:0013083, OMIM 613014.

Submission:

Labcorp Genetics (formerly Invitae), Labcorp
Classification: Uncertain significance for Neuroblastoma, susceptibility to, 3. Last evaluated: 2024-04-04. Review status: criteria provided, single submitter. Criteria: Invitae Variant Classification Sherloc (09022015). Collection method: clinical testing. Allele origin: germline.
Comment: This sequence change replaces alanine, which is neutral and non-polar, with aspartic acid, which is acidic and polar, at codon 112 of the ALK protein (p.Ala112Asp). This variant is not present in population databases (gnomAD no frequency). This variant has not been reported in the literature in individuals affected with ALK-related conditions. Algorithms developed to predict the effect of missense changes on protein structure and function output the following: SIFT: "Not Available"; PolyPhen-2: "Benign"; Align-GVGD: "Not Available". The aspartic acid amino acid residue is found in multiple mammalian species, which suggests that this missense change does not adversely affect protein function. In summary, the available evidence is currently insufficient to determine the role of this variant in disease. Therefore, it has been classified as a Variant of Uncertain Significance.